The following is an entry in ClinVar:

GRCh37/hg19 4q31.23(chr4:148644749-149301795)x1

Genes: ARHGAP10 (Rho GTPase activating protein 10; plus strand), NR3C2 (nuclear receptor subfamily 3 group C member 2; minus strand). Cytogenetic location: 4q31.23.
Variant type: copy number loss.
Change: copy number 1 (one copy instead of two) of chr4:148,644,749-149,301,795 (657.0 kb, GRCh37 coordinates, 1-based), cytogenetic band 4q31.23.
Identifiers: ClinVar variation 4682608 (VCV004682608.1).

ClinVar aggregate classification (germline): Pathogenic (1 of 4 stars; one submission).

Submission:

Quest Diagnostics Nichols Institute San Juan Capistrano
Classification: Pathogenic. Last evaluated: 2025-05-06. Review status: criteria provided, single submitter. Criteria: ACMG/ClinGen CNV Guidelines, 2019. Collection method: clinical testing. Allele origin: unknown.
Comment: This deletion involves two protein-coding genes, including multiple exons (NM_000901.5) of the 3' portion of NR3C2 (OMIM 600983). Haploinsufficiency of NR3C2 is associated with autosomal dominant pseudohypoaldosteronism type I (OMIM 177735; CCID:007574). Some loss-of-function variants have been inherited from unaffected parents and seen in unaffected carrier siblings, which indicates there may be reduced penetrance (Casas-Alba 2017, Goda 2020, Pujo 2007). There are no similar copy number losses of this region in the general populations of the Database of Genomic Variants. Thus, based on current medical literature, this copy number variant (CNV) is classified as pathogenic with reduced penetrance. References: Casas-Alba et al., J Pediatr Endocrinol Metab. 2017 May 1;30(5):597-601. PMID: 28593901 Goda et al., Clin Pediatr Endocrinol. 2020;29(3):127-130. PMID: 32694891 Pujo et al., Hum Mutat. 2007 Jan;28(1):33-40. PMID: 16972228